The following is an entry in ClinVar:

ClinVar aggregate classification (germline): Uncertain significance (1 of 4 stars; one submission).

Allele frequency attached by ClinVar (database versions not stated): gnomAD exomes below 0.00001; ExAC 0.00001; ESP Exome Variant Server 0.00008.
gnomAD v4.1: 3 of 1,612,086 alleles (0.00019%); highest among the groups gnomAD compares: Non-Finnish European, 0.00025%; no homozygotes.

Submissions (2):

GeneDx
Classification: Uncertain significance. Last evaluated: 2016-11-21. Review status: criteria provided, single submitter. Criteria: GeneDx Variant Classification (06012015). Collection method: clinical testing. Allele origin: germline. Affected: yes.
Comment: The c.1015-2A>G variant in the TNK2 gene has not been reported previously as a pathogenic variant nor as a benign variant, to our knowledge. This splice site variant destroys the canonical splice acceptor site in intron 7. This splice site variant is predicted to cause abnormal gene splicing resulting in an in-frame protein product with an abnormal message. However, in the absence of RNA/functional studies, the actual effect of c.1015-2A>G in this individual is unknown. The c.1015-2A>G variant was not observed at any significant frequency in approximately 6,500 individuals of European and African American ancestry in the NHLBI Exome Sequencing Project, indicating it is not a common benign variant in these populations. We interpret c.1015-2A>G as a variant of uncertain significance.

Dr. Peter K. Rogan Lab, Western University
No classification provided (evidence only). Condition: Acute myeloid leukemia. Review status: no classification provided. Collection method: in vitro. Allele origin: not applicable. Functional consequence: retained intron. Not counted in ClinVar's aggregate classification.

NM_001382273.1(TNK2):c.1015-2A>G

Gene: TNK2 (tyrosine kinase non receptor 2; minus strand). Cytogenetic location: 3q29.
Variant type: single nucleotide variant.
Coding change: c.1015-2A>G on transcript NM_001382273.1 (MANE Select); the canonical splice acceptor site of the intron before coding-DNA position 1015, A replaced by G.
Molecular consequence: splice acceptor variant.
Genome position (GRCh38, 1-based): chr3:195,878,594, T>C on the plus strand (A>G on the coding strand, the complement: TNK2 is on the minus strand). VCF-style: chr3-195878594-T-C. GRCh37 (hg19) VCF-style: chr3-195605465-T-C.
Other names: NC_000003.11:g.195605465T>C; c.1015-2A>G (NM_001387720.1, NM_005781.5, NM_001386164.1 and 12 more transcripts); c.1087-2A>G (NM_001387715.1, NM_001387708.1, NM_001010938.2 and 1 more transcripts); c.1111-2A>G (NM_001308046.2, NM_001382271.1, NM_001382275.1 and 1 more transcripts).
Identifiers: ClinVar variation 373144 (VCV000373144.3), dbSNP rs375985092, ClinGen allele CA2776621.